The following is an entry in ClinVar:

NM_022114.4(PRDM16):c.184C>T (p.Pro62Ser)

Gene: PRDM16 (PR/SET domain 16; plus strand). Cytogenetic location: 1p36.32.
Variant type: single nucleotide variant.
Coding change: c.184C>T on transcript NM_022114.4 (MANE Select); coding-DNA position 184, C replaced by T.
Protein change: p.Pro62Ser; replaces proline 62 with serine.
Molecular consequence: missense variant.
Genome position (GRCh38, 1-based): chr1:3,186,271, C>T. VCF-style: chr1-3186271-C-T. GRCh37 (hg19) VCF-style: chr1-3102835-C-T.
Other names: c.184C>T, p.Pro62Ser (NM_199454.3); short protein forms P62S.
Identifiers: ClinVar variation 2103182 (VCV002103182.4), dbSNP rs2522908994, ClinGen allele CA338215562.

ClinVar aggregate classification (germline): Uncertain significance (1 of 4 stars; one submission).

Conditions:
Left ventricular noncompaction 8 (LVNC8). Identifiers: Orphanet 154, Orphanet 54260, MedGen C3809288, MONDO:0014152, OMIM 615373.

Allele frequency attached by ClinVar (database versions not stated): gnomAD exomes below 0.00001.
gnomAD v4.1: 1 of 1,611,942 alleles (0.000062%); highest among the groups gnomAD compares: Non-Finnish European, 0.000085%; no homozygotes.

Submission:

Labcorp Genetics (formerly Invitae), Labcorp
Classification: Uncertain significance for Left ventricular noncompaction 8. Last evaluated: 2022-02-25. Review status: criteria provided, single submitter. Criteria: Invitae Variant Classification Sherloc (09022015). Collection method: clinical testing. Allele origin: germline.
Comment: Algorithms developed to predict the effect of missense changes on protein structure and function are either unavailable or do not agree on the potential impact of this missense change (SIFT: "Deleterious"; PolyPhen-2: "Probably Damaging"; Align-GVGD: "Class C0"). This variant has not been reported in the literature in individuals affected with PRDM16-related conditions. This variant is not present in population databases (gnomAD no frequency). This sequence change replaces proline, which is neutral and non-polar, with serine, which is neutral and polar, at codon 62 of the PRDM16 protein (p.Pro62Ser). In summary, the available evidence is currently insufficient to determine the role of this variant in disease. Therefore, it has been classified as a Variant of Uncertain Significance.